The following is an entry in ClinVar:

NM_001397406.1(FDX2):c.146-2A>G

Genes: FDX2 (ferredoxin 2; minus strand), FDX2-ZGLP1 (FDX2-ZGLP1 readthrough; minus strand), LOC130063486 (ATAC-STARR-seq lymphoblastoid silent region 10064; plus strand). Cytogenetic location: 19p13.2.
Variant type: single nucleotide variant.
Coding change: c.146-2A>G on transcript NM_001397406.1 (MANE Select); the canonical splice acceptor site of the intron before coding-DNA position 146, A replaced by G.
Molecular consequence: splice acceptor variant.
Genome position (GRCh38, 1-based): chr19:10,315,761, T>C on the plus strand (A>G on the coding strand, the complement: FDX2 is on the minus strand). VCF-style: chr19-10315761-T-C. GRCh37 (hg19) VCF-style: chr19-10426437-T-C.
Identifiers: ClinVar variation 1448817 (VCV001448817.3), dbSNP rs778992594, ClinGen allele CA9191317.
Genomic context (GRCh38, chr19:10,315,761, plus strand): 5'-TCACACGTCCCCGGGCCGCTCCGGGCCGCCCGCGTCCTCCTCTCCAGCCGGGCGCGAGCC[T>C]GGAAAACACGGTTCGGTGAGCGGCTGCGCCGAGCCCCGCCCCGCCGGCATCTGACGGATT-3'

ClinVar aggregate classification (germline): Uncertain significance (1 of 4 stars; one submission).

Allele frequency attached by ClinVar (database versions not stated): gnomAD exomes 0.00002; ExAC 0.00007.
gnomAD v4.1: 30 of 1,599,108 alleles (0.0019%); highest among the groups gnomAD compares: South Asian, 0.018%; no homozygotes.

Submission:

Labcorp Genetics (formerly Invitae), Labcorp
Classification: Uncertain significance. Last evaluated: 2021-12-24. Review status: criteria provided, single submitter. Criteria: Invitae Variant Classification Sherloc (09022015). Collection method: clinical testing. Allele origin: germline.
Comment: This sequence change affects an acceptor splice site in intron 1 of the FDX2 gene. It is expected to disrupt RNA splicing. Variants that disrupt the donor or acceptor splice site typically lead to a loss of protein function (PMID: 16199547), however the current clinical and genetic evidence is not sufficient to establish whether loss-of-function variants in FDX2 cause disease. The frequency data for this variant in the population databases is considered unreliable, as metrics indicate poor data quality at this position in the gnomAD database. This variant has not been reported in the literature in individuals affected with FDX2-related conditions. Algorithms developed to predict the effect of sequence changes on RNA splicing suggest that this variant may disrupt the consensus splice site. In summary, the available evidence is currently insufficient to determine the role of this variant in disease. Therefore, it has been classified as a Variant of Uncertain Significance.

Literature cited by the submitters: PubMed 16199547.